The following is an entry in ClinVar:

NM_001103.4(ACTN2):c.1369C>T (p.Arg457Cys)

Gene: ACTN2 (actinin alpha 2; plus strand). Cytogenetic location: 1q43.
Variant type: single nucleotide variant.
Coding change: c.1369C>T on transcript NM_001103.4 (MANE Select); coding-DNA position 1369, C replaced by T.
Protein change: p.Arg457Cys; replaces arginine 457 with cysteine.
Molecular consequence: missense variant.
Genome position (GRCh38, 1-based): chr1:236,744,739, C>T. VCF-style: chr1-236744739-C-T. GRCh37 (hg19) VCF-style: chr1-236908039-C-T.
Other names: c.1369C>T, p.Arg457Cys (NM_001278343.2); c.745C>T, p.Arg249Cys (NM_001278344.2); short protein forms R457C, R249C.
Identifiers: ClinVar variation 217833 (VCV000217833.9), dbSNP rs769126818, ClinGen allele CA277844.
Genomic context (GRCh38, chr1:236,744,739, plus strand): 5'-GTGCGGGCTCTGCTGCGGAAGCACGAGGCGTTCGAGAGCGACCTGGCAGCGCACCAGGAC[C>T]GCGTGGAGCAGATCGCAGCCATCGCGCAGGAGCTCAAGTATGTGCAGATGCCCTCCGTCC-3'
Protein context (NP_001094.1, residues 447-467): FESDLAAHQD[Arg457Cys]VEQIAAIAQE

ClinVar aggregate classification (germline): Conflicting classifications of pathogenicity. Review status: criteria provided, conflicting classifications (1 of 4 stars). 3 submissions from 3 submitters: Uncertain significance (2); Likely benign (1). Last evaluated 2025-04-09.

Conditions:
Cardiovascular phenotype. Identifiers: MedGen CN230736.
Dilated cardiomyopathy 1AA (CMD1AA). Also called: CARDIOMYOPATHY, DILATED, 1AA, WITH OR WITHOUT LEFT VENTRICULAR NONCOMPACTION; CARDIOMYOPATHY, FAMILIAL HYPERTROPHIC, 23, WITH OR WITHOUT LEFT VENTRICULAR NONCOMPACTION; Cardiomyopathy, dilated, 1AA, with or without LVNC. Identifiers: Orphanet 154, MedGen C2677338, MONDO:0012808, OMIM 612158.
Primary familial hypertrophic cardiomyopathy (HCM). Identifiers: Orphanet 99739, MedGen C0949658, MeSH D024741, MONDO:0024573. Inheritance: Various modes of inheritance.
Hypertrophic cardiomyopathy 1 (CMH1). Also called: Familial hypertrophic cardiomyopathy 1; MYH7-Related Familial Hypertrophic Cardiomyopathy. Identifiers: MedGen C3495498, MONDO:0008647, OMIM 192600.

Allele frequency attached by ClinVar (database versions not stated): TOPMed below 0.00001; ExAC 0.00001; gnomAD exomes 0.00001.
gnomAD v4.1: 14 of 1,614,160 alleles (0.00087%); highest among the groups gnomAD compares: South Asian, 0.0044%; no homozygotes.

Submissions (3):

Molecular Diagnostic Laboratory for Inherited Cardiovascular Disease, Montreal Heart Institute
Classification: Uncertain significance for Cardiovascular phenotype. Last evaluated: 2025-04-09. Review status: criteria provided, single submitter. Criteria: ACMG Guidelines, 2015. Collection method: clinical testing. Allele origin: germline. Affected: yes.
Comment: PP3

Labcorp Genetics (formerly Invitae), Labcorp
Classification: Likely benign for Primary familial hypertrophic cardiomyopathy; Dilated cardiomyopathy 1AA. Last evaluated: 2025-03-26. Review status: criteria provided, single submitter. Criteria: Invitae Variant Classification Sherloc (09022015). Collection method: clinical testing. Allele origin: germline.

Agnes Ginges Centre for Molecular Cardiology, Centenary Institute
Classification: Uncertain significance for Hypertrophic cardiomyopathy 1. Last evaluated: 2015-06-22. Review status: criteria provided, single submitter. Criteria: Agnes Ginges Centre for Molecular Cardiology criteria (2015). Collection method: research. Allele origin: germline. Inheritance: Autosomal dominant inheritance. Affected: yes.
Comment: The ACTN2 Arg457Cys variant has been previously reported to occur in the Exome Aggregation Consortium dataset at a frequency of 0.000008 in sub-population European (non-Finnish) individuals. The variant is absent in the 1000 genomes project. Arginine (Arg) at position 457 is conserved across distantly related species, and in silico tools are supportive of a damaging effect (SIFT "deleterious"; PolyPhen2 "probably damaging"; MutationTaster "disease-causing"; CADD score = 21), however this alone cannot be considered as strong evidence for pathogenicity. Based on the limited evidence, we call this variant as having "uncertain significance".